The following is an entry in ClinVar:

ClinVar aggregate classification (germline): Likely benign. Review status: criteria provided, multiple submitters, no conflicts (2 of 4 stars). 2 submissions from 2 submitters: Likely benign (2). Last evaluated 2025-08-30.

Conditions:
MYO7A-related disorder. Also called: MYO7A-related disorders.

gnomAD v4.1: 3 of 1,605,842 alleles (0.00019%); highest among the groups gnomAD compares: East Asian, 0.0022%; no homozygotes.

Submissions (2):

PreventionGenetics, part of Exact Sciences
Classification: Likely benign for MYO7A-related condition. Last evaluated: 2025-08-30. Review status: criteria provided, single submitter. Criteria: ACMG Guidelines, 2015. Collection method: clinical testing. Allele origin: germline.
Comment: This variant is classified as likely benign based on ACMG/AMP sequence variant interpretation guidelines (Richards et al. 2015 PMID: 25741868, with internal and published modifications).

Blueprint Genetics
Classification: Likely benign. Last evaluated: 2020-05-25. Review status: criteria provided, single submitter. Criteria: ACMG Guidelines, 2015. Collection method: clinical testing. Allele origin: germline.

NM_000260.4(MYO7A):c.5742+3G>A

Gene: MYO7A (myosin VIIA; plus strand). Cytogenetic location: 11q13.5.
Variant type: single nucleotide variant.
Coding change: c.5742+3G>A on transcript NM_000260.4 (MANE Select); 3 bases into the intron after coding-DNA position 5742, G replaced by A.
Molecular consequence: intron variant.
Genome position (GRCh38, 1-based): chr11:77,206,205, G>A. VCF-style: chr11-77206205-G-A. GRCh37 (hg19) VCF-style: chr11-76917250-G-A.
Other names: c.5595+3G>A (NM_001369365.1); c.5628+3G>A (NM_001127180.2); c.5742+3G>A (NM_000260.3).
Identifiers: ClinVar variation 4913301 (VCV004913301.2).